The following is an entry in ClinVar:

ClinVar aggregate classification (germline): Conflicting classifications of pathogenicity. Review status: criteria provided, conflicting classifications (1 of 4 stars). 2 submissions from 2 submitters: Uncertain significance (1); Likely benign (1). Last evaluated 2024-08-21.

Conditions:
Gastrointestinal stromal tumor. Also called: Gastrointestinal stromal tumor, somatic; Gastrointestinal stroma tumor. Identifiers: Orphanet 44890, MedGen C0238198, MeSH D046152, MONDO:0011719, OMIM 606764, HP:0100723.
Hereditary cancer-predisposing syndrome. Also called: Neoplastic Syndromes, Hereditary; Tumor predisposition; Hereditary Cancer Syndrome; Hereditary neoplastic syndrome. Identifiers: Orphanet 140162, MedGen C0027672, MeSH D009386, MONDO:0015356.

gnomAD v4.1: 5 of 1,612,516 alleles (0.00031%); highest among the groups gnomAD compares: Non-Finnish European, 0.00042%; no homozygotes.

Submissions (2):

Ambry Genetics
Classification: Likely benign for Hereditary cancer-predisposing syndrome. Last evaluated: 2024-08-21. Review status: criteria provided, single submitter. Criteria: Ambry Variant Classification Scheme 2023. Collection method: clinical testing. Allele origin: germline.

Labcorp Genetics (formerly Invitae), Labcorp
Classification: Uncertain significance for Gastrointestinal stromal tumor. Last evaluated: 2024-07-09. Review status: criteria provided, single submitter. Criteria: Invitae Variant Classification Sherloc (09022015). Collection method: clinical testing. Allele origin: germline.
Comment: This sequence change replaces aspartic acid, which is acidic and polar, with valine, which is neutral and non-polar, at codon 215 of the PDGFRA protein (p.Asp215Val). This variant is present in population databases (rs761102425, gnomAD 0.002%). This variant has not been reported in the literature in individuals affected with PDGFRA-related conditions. Advanced modeling of protein sequence and biophysical properties (such as structural, functional, and spatial information, amino acid conservation, physicochemical variation, residue mobility, and thermodynamic stability) performed at Invitae indicates that this missense variant is not expected to disrupt PDGFRA protein function with a negative predictive value of 80%. In summary, the available evidence is currently insufficient to determine the role of this variant in disease. Therefore, it has been classified as a Variant of Uncertain Significance.

NM_006206.6(PDGFRA):c.644A>T (p.Asp215Val)

Gene: PDGFRA (platelet derived growth factor receptor alpha; plus strand). Cytogenetic location: 4q12.
Variant type: single nucleotide variant.
Coding change: c.644A>T on transcript NM_006206.6 (MANE Select); coding-DNA position 644, A replaced by T.
Protein change: p.Asp215Val; replaces aspartic acid 215 with valine.
Molecular consequence: missense variant.
Genome position (GRCh38, 1-based): chr4:54,264,934, A>T. VCF-style: chr4-54264934-A-T. GRCh37 (hg19) VCF-style: chr4-55131101-A-T.
Other names: c.644A>T, p.Asp215Val (NM_001347827.2, NM_001347829.2); c.719A>T, p.Asp240Val (NM_001347828.2); c.683A>T, p.Asp228Val (NM_001347830.2); short protein forms D240V, D215V, D228V.
Identifiers: ClinVar variation 3416404 (VCV003416404.3).